The following is an entry in ClinVar:

NM_006270.5(RRAS):c.400G>A (p.Asp134Asn)

Gene: RRAS (RAS related; minus strand). Cytogenetic location: 19q13.33.
Variant type: single nucleotide variant.
Coding change: c.400G>A on transcript NM_006270.5 (MANE Select); coding-DNA position 400, G replaced by A.
Protein change: p.Asp134Asn; replaces aspartic acid 134 with asparagine.
Molecular consequence: missense variant.
Genome position (GRCh38, 1-based): chr19:49,636,672, C>T on the plus strand (G>A on the coding strand, the complement: RRAS is on the minus strand). VCF-style: chr19-49636672-C-T. GRCh37 (hg19) VCF-style: chr19-50139929-C-T.
Other names: short protein forms D134N.
Identifiers: ClinVar variation 569899 (VCV000569899.12), dbSNP rs374650566, ClinGen allele CA9579030.

ClinVar aggregate classification (germline): Uncertain significance. Review status: criteria provided, multiple submitters, no conflicts (2 of 4 stars). 3 submissions from 3 submitters: Uncertain significance (3). Last evaluated 2026-02-11.

Conditions:
Noonan syndrome (NS). Also called: Noonan's syndrome. Identifiers: Orphanet 648, MedGen C0028326, MeSH D009634, MONDO:0018997. Disease mechanism: gain of function.

Allele frequency attached by ClinVar (database versions not stated): ExAC 0.00002; gnomAD exomes 0.00002 and 0.00009; gnomAD 0.00004 and 0.00005; TOPMed 0.00005; ESP Exome Variant Server 0.00015.

Submissions (3):

St. Jude Molecular Pathology, St. Jude Children's Research Hospital
Classification: Uncertain significance for Noonan syndrome. Last evaluated: 2026-02-11. Review status: criteria provided, single submitter. Criteria: St. Jude Assertion Criteria 2020. Collection method: clinical testing. Allele origin: germline.
Comment: The RRAS c.400G>A p.(Asp134Asn) missense change has a maximum subpopulation frequency of 0.024% in gnomAD v2.1.1. The in silico tool REVEL predicts a benign effect on protein function, but to our knowledge this prediction has not been confirmed by functional studies. To our knowledge, this variant has not been reported in individuals with Noonan syndrome. In summary, the evidence currently available is insufficient to determine the clinical significance of this variant. It has therefore been classified as of uncertain significance.

Labcorp Genetics (formerly Invitae), Labcorp
Classification: Uncertain significance for Noonan syndrome. Last evaluated: 2025-02-20. Review status: criteria provided, single submitter. Criteria: Invitae Variant Classification Sherloc (09022015). Collection method: clinical testing. Allele origin: germline.
Comment: This sequence change replaces aspartic acid, which is acidic and polar, with asparagine, which is neutral and polar, at codon 134 of the RRAS protein (p.Asp134Asn). This variant is present in population databases (rs374650566, gnomAD 0.02%). This variant has not been reported in the literature in individuals affected with RRAS-related conditions. ClinVar contains an entry for this variant (Variation ID: 569899). An algorithm developed to predict the effect of missense changes on protein structure and function (PolyPhen-2) suggests that this variant is likely to be disruptive. In summary, the available evidence is currently insufficient to determine the role of this variant in disease. Therefore, it has been classified as a Variant of Uncertain Significance.

Blueprint Genetics
Classification: Uncertain significance. Last evaluated: 2023-09-09. Review status: criteria provided, single submitter. Criteria: ACMG Guidelines, 2015. Collection method: clinical testing. Allele origin: germline.